The following is an entry in ClinVar:

ClinVar aggregate classification (germline): Conflicting classifications of pathogenicity. Review status: criteria provided, conflicting classifications (1 of 4 stars). 2 submissions from 2 submitters: Likely pathogenic (1); Uncertain significance (1). Last evaluated 2022-08-12.

Conditions:
Anemia, nonspherocytic hemolytic, due to G6PD deficiency (CNSHA1). Also called: Class I glucose-6-phosphate dehydrogenase deficiency; Favism, susceptibility to; ANEMIA, CONGENITAL, NONSPHEROCYTIC HEMOLYTIC, 1; Hemolytic anemia due to G6PD deficiency. Identifiers: Orphanet 466026, MedGen C2720289, MONDO:0010480, OMIM 300908.

Submissions (2):

Dunham Lab, University of Washington
Classification: Likely pathogenic for Anemia, nonspherocytic hemolytic, due to G6PD deficiency. Last evaluated: 2022-08-12. Review status: criteria provided, single submitter. Criteria: Bayesian ACMG Guidelines, 2018. Collection method: curation. Allele origin: maternal. Affected: yes.
Comment: Variant found in hemizygous brothers with G6PD deficiency and CNSHA (PP4). Decreased activity in red blood cells (6-10%) (PS3). Not found in gnomAD (PM2). Post_P 0.975 (odds of pathogenicity 350.3, Prior_P 0.1).

Labcorp Genetics (formerly Invitae), Labcorp
Classification: Uncertain significance for Anemia, nonspherocytic hemolytic, due to G6PD deficiency. Last evaluated: 2020-09-15. Review status: criteria provided, single submitter. Criteria: Invitae Variant Classification Sherloc (09022015). Collection method: clinical testing. Allele origin: germline.
Comment: In summary, the available evidence is currently insufficient to determine the role of this variant in disease. Therefore, it has been classified as a Variant of Uncertain Significance. This variant disrupts the p.Arg257Met amino acid residue in G6PD. Other variant(s) that disrupt this residue have been observed in individuals with G6PD-related conditions (PMID: 20085579, 12850494), which suggests that this may be a clinically significant amino acid residue. Algorithms developed to predict the effect of missense changes on protein structure and function are either unavailable or do not agree on the potential impact of this missense change (SIFT: "Tolerated"; PolyPhen-2: "Probably Damaging"; Align-GVGD: "Class C0"). This variant has been observed in individual(s) with G6PD deficiency (PMID: 3565372). This variant is not present in population databases (ExAC no frequency). This sequence change replaces arginine with glycine at codon 257 of the G6PD protein (p.Arg257Gly). The arginine residue is highly conserved and there is a moderate physicochemical difference between arginine and glycine.

Literature cited by the submitters: PubMed 3565372 (cited by Dunham Lab, University of Washington and Labcorp Genetics (formerly Invitae), Labcorp); PubMed 1805484 (cited by Dunham Lab, University of Washington); PubMed 20085579 (cited by Labcorp Genetics (formerly Invitae), Labcorp); PubMed 12850494 (cited by Labcorp Genetics (formerly Invitae), Labcorp).

NM_001360016.2(G6PD):c.769C>G (p.Arg257Gly)

Gene: G6PD (glucose-6-phosphate dehydrogenase; minus strand). Cytogenetic location: Xq28.
Variant type: single nucleotide variant.
Coding change: c.769C>G on transcript NM_001360016.2 (MANE Select); coding-DNA position 769, C replaced by G.
Protein change: p.Arg257Gly; replaces arginine 257 with glycine.
Molecular consequence: missense variant.
Genome position (GRCh38, 1-based): chrX:154,534,036, G>C on the plus strand (C>G on the coding strand, the complement: G6PD is on the minus strand). VCF-style: chrX-154534036-G-C. GRCh37 (hg19) VCF-style: chrX-153762251-G-C.
Other names: G6PD Wayne; c.859C>G, p.Arg287Gly (NM_000402.4); c.769C>G, p.Arg257Gly (NM_001042351.3); short protein forms R287G, R257G.
Identifiers: ClinVar variation 1044330 (VCV001044330.11), dbSNP rs2070375134, ClinGen allele CA415236173.